The following is an entry in ClinVar:

NM_003476.5(CSRP3):c.459T>A (p.Ser153Arg)

Gene: CSRP3 (cysteine and glycine rich protein 3; minus strand). Cytogenetic location: 11p15.1.
Variant type: single nucleotide variant.
Coding change: c.459T>A on transcript NM_003476.5 (MANE Select); coding-DNA position 459, T replaced by A.
Protein change: p.Ser153Arg; replaces serine 153 with arginine.
Molecular consequence: missense variant.
Genome position (GRCh38, 1-based): chr11:19,185,001, A>T on the plus strand (T>A on the coding strand, the complement: CSRP3 is on the minus strand). VCF-style: chr11-19185001-A-T. GRCh37 (hg19) VCF-style: chr11-19206548-A-T.
Other names: c.290T>A, p.Val97Asp (NM_001369404.1); short protein forms S153R, V97D.
Identifiers: ClinVar variation 963816 (VCV000963816.9), dbSNP rs1590102813, ClinGen allele CA379887711.

ClinVar aggregate classification (germline): Uncertain significance (1 of 4 stars; one submission).

Conditions:
Hypertrophic cardiomyopathy 12. Identifiers: MedGen C2677491, MONDO:0012804, OMIM 612124.
Dilated cardiomyopathy 1M (CMD1M). Identifiers: Orphanet 154, MedGen C1843808, MONDO:0011840, OMIM 607482.

Allele frequency attached by ClinVar (database versions not stated): gnomAD exomes below 0.00001.
gnomAD v4.1: 3 of 1,614,054 alleles (0.00019%); highest among the groups gnomAD compares: African/African-American, 0.0027%; no homozygotes.

Submission:

Labcorp Genetics (formerly Invitae), Labcorp
Classification: Uncertain significance for Hypertrophic cardiomyopathy 12; Dilated cardiomyopathy 1M. Last evaluated: 2023-05-19. Review status: criteria provided, single submitter. Criteria: Invitae Variant Classification Sherloc (09022015). Collection method: clinical testing. Allele origin: germline.
Comment: In summary, the available evidence is currently insufficient to determine the role of this variant in disease. Therefore, it has been classified as a Variant of Uncertain Significance. An algorithm developed to predict the effect of missense changes on protein structure and function (PolyPhen-2) suggests that this variant is likely to be disruptive. ClinVar contains an entry for this variant (Variation ID: 963816). This variant has not been reported in the literature in individuals affected with CSRP3-related conditions. This variant is not present in population databases (gnomAD no frequency). This sequence change replaces serine, which is neutral and polar, with arginine, which is basic and polar, at codon 153 of the CSRP3 protein (p.Ser153Arg).